The following is an entry in ClinVar:

ClinVar aggregate classification (germline): Uncertain significance (1 of 4 stars; one submission).

Submission:

GeneDx
Classification: Uncertain significance. Last evaluated: 2024-09-30. Review status: criteria provided, single submitter. Criteria: GeneDx Variant Classification Process June 2021. Collection method: clinical testing. Allele origin: germline. Affected: yes.
Comment: Not observed at significant frequency in large population cohorts (gnomAD); In silico analysis supports that this missense variant has a deleterious effect on protein structure/function; Has not been previously published as pathogenic or benign to our knowledge

NM_031206.7(LAS1L):c.2174A>T (p.His725Leu)

Gene: LAS1L (LAS1 like ribosome biogenesis factor; minus strand). Cytogenetic location: Xq12.
Variant type: single nucleotide variant.
Coding change: c.2174A>T on transcript NM_031206.7 (MANE Select); coding-DNA position 2174, A replaced by T.
Protein change: p.His725Leu; replaces histidine 725 with leucine.
Molecular consequence: missense variant. On other transcripts: non-coding transcript variant (1).
Genome position (GRCh38, 1-based): chrX:65,512,806, T>A on the plus strand (A>T on the coding strand, the complement: LAS1L is on the minus strand). VCF-style: chrX-65512806-T-A. GRCh37 (hg19) VCF-style: chrX-64732686-T-A.
Other names: c.2123A>T, p.His708Leu (NM_001170649.2); c.1997A>T, p.His666Leu (NM_001170650.2); c.2171A>T, p.His724Leu (NM_001375328.1); c.1217A>T, p.His406Leu (NM_001375332.1); c.2120A>T, p.His707Leu (NM_001375333.1); short protein forms H406L, H666L, H707L, H708L, H724L, H725L.
Identifiers: ClinVar variation 3774897 (VCV003774897.1).